The following is an entry in ClinVar:

ClinVar aggregate classification (germline): Uncertain significance (1 of 4 stars; one submission).

Conditions:
Rhabdoid tumor predisposition syndrome 2 (RTPS2). Identifiers: Orphanet 231108, Orphanet 69077, MedGen C2750074, MONDO:0013224, OMIM 613325.

Submission:

Labcorp Genetics (formerly Invitae), Labcorp
Classification: Uncertain significance for Rhabdoid tumor predisposition syndrome 2. Last evaluated: 2023-05-19. Review status: criteria provided, single submitter. Criteria: Invitae Variant Classification Sherloc (09022015). Collection method: clinical testing. Allele origin: germline.
Comment: Experimental studies and prediction algorithms are not available or were not evaluated, and the functional significance of this variant is currently unknown. This variant has not been reported in the literature in individuals affected with SMARCA4-related conditions. Information on the frequency of this variant in the gnomAD database is not available, as this variant may be reported differently in the database. This sequence change replaces histidine, which is basic and polar, with asparagine, which is neutral and polar, at codon 346 of the SMARCA4 protein (p.His346Asn). In summary, the available evidence is currently insufficient to determine the role of this variant in disease. Therefore, it has been classified as a Variant of Uncertain Significance.

NM_003072.5(SMARCA4):c.1035_1036delinsAA (p.His346Asn)

Gene: SMARCA4 (SWI/SNF related BAF chromatin remodeling complex subunit ATPase 4; plus strand). Cytogenetic location: 19p13.2.
Variant type: Indel.
Coding change: c.1035_1036delinsAA on transcript NM_003072.5 (MANE Select); coding-DNA positions 1035 to 1036, GC replaced by AA.
Protein change: p.His346Asn; replaces histidine 346 with asparagine.
Molecular consequence: missense variant. On other transcripts: non-coding transcript variant (1).
Genome position (GRCh38, 1-based): chr19:10,987,841-10,987,842, GC replaced by AA. VCF-style: chr19-10987841-GC-AA. GRCh37 (hg19) VCF-style: chr19-11098517-GC-AA.
Other names: c.1035_1036delinsAA, p.His346Asn (NM_001128844.3, NM_001128845.2, NM_001128846.2 and 6 more transcripts); short protein forms H346N.
Identifiers: ClinVar variation 2865703 (VCV002865703.3), dbSNP rs2514047548, ClinGen allele CA2739276471.